The following is an entry in ClinVar:

ClinVar aggregate classification (germline): Uncertain significance. Review status: criteria provided, multiple submitters, no conflicts (2 of 4 stars). 2 submissions from 2 submitters: Uncertain significance (2). Last evaluated 2024-08-02.

Conditions:
Inborn genetic diseases. Identifiers: MedGen C0950123, MeSH D030342.

Submissions (2):

Ambry Genetics
Classification: Uncertain significance for Inborn genetic diseases. Last evaluated: 2024-08-02. Review status: criteria provided, single submitter. Criteria: Ambry Variant Classification Scheme 2023. Collection method: clinical testing. Allele origin: germline.
Comment: The c.2642G>C (p.R881T) alteration is located in exon 15 (coding exon 15) of the GRIA3 gene. This alteration results from a G to C substitution at nucleotide position 2642, causing the arginine (R) at amino acid position 881 to be replaced by a threonine (T). This variant was not reported in population-based cohorts in the Genome Aggregation Database (gnomAD). This amino acid position is highly conserved in available vertebrate species. This missense alteration is located in a region that has a low rate of benign missense variation (Lek, 2016; Firth, 2009). This alteration is predicted to be deleterious by in silico analysis. Based on insufficient or conflicting evidence, the clinical significance of this alteration remains unclear.

Labcorp Genetics (formerly Invitae), Labcorp
Classification: Uncertain significance. Last evaluated: 2024-03-04. Review status: criteria provided, single submitter. Criteria: Invitae Variant Classification Sherloc (09022015). Collection method: clinical testing. Allele origin: germline.
Comment: This sequence change replaces arginine, which is basic and polar, with threonine, which is neutral and polar, at codon 881 of the GRIA3 protein (p.Arg881Thr). This variant is not present in population databases (gnomAD no frequency). This variant has not been reported in the literature in individuals affected with GRIA3-related conditions. An algorithm developed to predict the effect of missense changes on protein structure and function (PolyPhen-2) suggests that this variant is likely to be disruptive. In summary, the available evidence is currently insufficient to determine the role of this variant in disease. Therefore, it has been classified as a Variant of Uncertain Significance.

NM_007325.5(GRIA3):c.2642G>C (p.Arg881Thr)

Gene: GRIA3 (glutamate ionotropic receptor AMPA type subunit 3; plus strand). Cytogenetic location: Xq25.
Variant type: single nucleotide variant.
Coding change: c.2642G>C on transcript NM_007325.5 (MANE Select); coding-DNA position 2642, G replaced by C.
Protein change: p.Arg881Thr; replaces arginine 881 with threonine.
Molecular consequence: missense variant.
Genome position (GRCh38, 1-based): chrX:123,483,001, G>C. VCF-style: chrX-123483001-G-C. GRCh37 (hg19) VCF-style: chrX-122616852-G-C.
Other names: c.2642G>C (NM_000828.4); c.2642G>C, p.Arg881Thr (NM_000828.5); short protein forms R881T.
Identifiers: ClinVar variation 2702660 (VCV002702660.5), dbSNP rs2521368617, ClinGen allele CA414256381.